The following is an entry in ClinVar:

ClinVar aggregate classification (germline): Uncertain significance (1 of 4 stars; one submission).

Conditions:
Developmental and epileptic encephalopathy, 54. Also called: Epileptic encephalopathy, early infantile, 54; HNRNPU-Related Neurodevelopmental Disorder. Identifiers: MedGen C4479319, MONDO:0033363, OMIM 617391.

Allele frequency attached by ClinVar (database versions not stated): TOPMed below 0.00001.

Submission:

Labcorp Genetics (formerly Invitae), Labcorp
Classification: Uncertain significance for Developmental and epileptic encephalopathy, 54. Last evaluated: 2023-07-10. Review status: criteria provided, single submitter. Criteria: Invitae Variant Classification Sherloc (09022015). Collection method: clinical testing. Allele origin: germline.
Comment: In summary, the available evidence is currently insufficient to determine the role of this variant in disease. Therefore, it has been classified as a Variant of Uncertain Significance. An algorithm developed to predict the effect of missense changes on protein structure and function (PolyPhen-2) suggests that this variant is likely to be tolerated. This variant has not been reported in the literature in individuals affected with HNRNPU-related conditions. This variant is not present in population databases (gnomAD no frequency). This sequence change replaces proline, which is neutral and non-polar, with serine, which is neutral and polar, at codon 55 of the HNRNPU protein (p.Pro55Ser).

NM_031844.3(HNRNPU):c.163C>T (p.Pro55Ser)

Gene: HNRNPU (heterogeneous nuclear ribonucleoprotein U; minus strand). Cytogenetic location: 1q44.
Variant type: single nucleotide variant.
Coding change: c.163C>T on transcript NM_031844.3 (MANE Select); coding-DNA position 163, C replaced by T.
Protein change: p.Pro55Ser; replaces proline 55 with serine.
Molecular consequence: missense variant.
Genome position (GRCh38, 1-based): chr1:244,864,145, G>A on the plus strand (C>T on the coding strand, the complement: HNRNPU is on the minus strand). VCF-style: chr1-244864145-G-A. GRCh37 (hg19) VCF-style: chr1-245027447-G-A.
Other names: c.163C>T, p.Pro55Ser (NM_004501.3); short protein forms P55S.
Identifiers: ClinVar variation 2966499 (VCV002966499.3), dbSNP rs1680936789, ClinGen allele CA345497856.